The following is an entry in ClinVar:

NM_001048166.1(STIL):c.3129C>T (p.Cys1043=)

Gene: STIL (STIL centriolar assembly protein; minus strand). Cytogenetic location: 1p33.
Variant type: single nucleotide variant.
Coding change: c.3129C>T on transcript NM_001048166.1 (MANE Select); coding-DNA position 3129, C replaced by T.
Protein change: p.Cys1043=; no amino-acid change (cysteine 1043 retained).
Molecular consequence: synonymous variant.
Genome position (GRCh38, 1-based): chr1:47,251,874, G>A on the plus strand (C>T on the coding strand, the complement: STIL is on the minus strand). VCF-style: chr1-47251874-G-A. GRCh37 (hg19) VCF-style: chr1-47717546-G-A.
Other names: c.3126C>T, p.Cys1042= (NM_001282936.1, NM_003035.2); c.3075C>T, p.Cys1025= (NM_001282937.1); c.2988C>T, p.Cys996= (NM_001282938.1, NM_001377417.1); c.2934C>T, p.Cys978= (NM_001282939.1).
Identifiers: ClinVar variation 4981669 (VCV004981669.1).

ClinVar aggregate classification (germline): Likely benign (1 of 4 stars; one submission).

Conditions:
STIL-related disorder. Also called: STIL-related condition.

gnomAD v4.1: 6 of 1,609,114 alleles (0.00037%); highest among the groups gnomAD compares: Admixed American, 0.0017%; no homozygotes.

Submission:

PreventionGenetics, part of Exact Sciences
Classification: Likely benign for STIL-related condition. Last evaluated: 2025-01-27. Review status: criteria provided, single submitter. Criteria: ACMG Guidelines, 2015. Collection method: clinical testing. Allele origin: germline.
Comment: This variant is classified as likely benign based on ACMG/AMP sequence variant interpretation guidelines (Richards et al. 2015 PMID: 25741868, with internal and published modifications).